The following is an entry in ClinVar:

NM_001384140.1(PCDH15):c.157+3A>G

Genes: PCDH15 (protocadherin related 15; minus strand), LOC105378311 (uncharacterized LOC105378311; plus strand). Cytogenetic location: 10q21.1.
Variant type: single nucleotide variant.
Coding change: c.157+3A>G on transcript NM_001384140.1 (MANE Select); 3 bases into the intron after coding-DNA position 157, A replaced by G.
Molecular consequence: intron variant.
Genome position (GRCh38, 1-based): chr10:54,527,809, T>C on the plus strand (A>G on the coding strand, the complement: PCDH15 is on the minus strand). VCF-style: chr10-54527809-T-C. GRCh37 (hg19) VCF-style: chr10-56287569-T-C.
Other names: p.?; c.157+3A>G (NM_001354420.2, NM_001354429.2, NM_001142772.2 and 8 more transcripts); c.172+3A>G (NM_001142771.2, NM_001142769.3, NM_001142763.2); c.91+136363A>G (NM_001354404.2, NM_001142773.2, NM_001142768.2).
Identifiers: ClinVar variation 46444 (VCV000046444.29), dbSNP rs41274636, ClinGen allele CA213358.

ClinVar aggregate classification (germline): Benign. Review status: criteria provided, multiple submitters, no conflicts (2 of 4 stars). 10 submissions from 10 submitters: Benign (9). 1 of the submissions does not count toward it. Last evaluated 2026-02-04.

Conditions:
Usher syndrome type 1 (USH1). Also called: RETINITIS PIGMENTOSA AND CONGENITAL DEAFNESS. Identifiers: Orphanet 231169, Orphanet 886, MedGen C1568247, MONDO:0010168, OMIM 276900.
Usher syndrome type 1F (USH1F). Also called: USHER SYNDROME, TYPE IF. Identifiers: Orphanet 231169, Orphanet 886, MedGen C1865885, MONDO:0011186, OMIM 602083.

Allele frequency attached by ClinVar (database versions not stated): ESP Exome Variant Server 0.09880; 1000 Genomes Project 30x 0.08542; gnomAD 0.09411 and 0.09581; ExAC 0.07968; 1000 Genomes Project 0.08566; TOPMed 0.09794.
gnomAD v4.1: 134,338 of 1,603,330 alleles (8.4%); highest among the groups gnomAD compares: African/African-American, 14%; 5,925 homozygotes.

Submissions (10):

Labcorp Genetics (formerly Invitae), Labcorp
Classification: Benign. Last evaluated: 2026-02-04. Review status: criteria provided, single submitter. Criteria: Invitae Variant Classification Sherloc (09022015). Collection method: clinical testing. Allele origin: germline.

Genome-Nilou Lab
Classification: Benign for Usher syndrome type 1F. Last evaluated: 2021-07-01. Review status: criteria provided, single submitter. Criteria: ACMG Guidelines, 2015. Collection method: clinical testing. Allele origin: germline. Affected: no.

Mayo Clinic Laboratories, Mayo Clinic
Classification: Benign. Last evaluated: 2020-10-20. Review status: criteria provided, single submitter. Criteria: ACMG Guidelines, 2015. Collection method: clinical testing. Allele origin: germline. Observed: 30 variant alleles.

Illumina Laboratory Services, Illumina
Classification: Benign for Usher syndrome type 1. Last evaluated: 2018-01-13. Review status: criteria provided, single submitter. Criteria: ICSL Variant Classification Criteria 13 December 2019. Collection method: clinical testing. Allele origin: germline.
Comment: This variant was observed in the ICSL laboratory as part of a predisposition screen in an ostensibly healthy population. It had not been previously curated by ICSL or reported in the Human Gene Mutation Database (HGMD: prior to June 1st, 2018), and was therefore a candidate for classification through an automated scoring system. Utilizing variant allele frequency, disease prevalence and penetrance estimates, and inheritance mode, an automated score was calculated to assess if this variant is too frequent to cause the disease. Based on the score and internal cut-off values, a variant classified as benign is not then subjected to further curation. The score for this variant resulted in a classification of benign for this disease.

GeneDx
Classification: Benign. Last evaluated: 2015-03-03. Review status: criteria provided, single submitter. Criteria: GeneDx Variant Classification Process June 2021. Collection method: clinical testing. Allele origin: germline. Affected: yes.

Eurofins Ntd Llc (ga)
Classification: Benign. Last evaluated: 2013-08-08. Review status: criteria provided, single submitter. Criteria: EGL Classification Definitions 2015. Collection method: clinical testing. Allele origin: germline. Observed: 1 variant allele, 1 heterozygote.

Laboratory for Molecular Medicine, Mass General Brigham Personalized Medicine
Classification: Benign. Last evaluated: 2009-10-29. Review status: criteria provided, single submitter. Criteria: LMM Criteria. Collection method: clinical testing. Allele origin: germline. Observed: 369 variant alleles.

Breakthrough Genomics
Classification: Benign. Review status: criteria provided, single submitter. Criteria: ACMG Guidelines, 2015. Collection method: not provided. Allele origin: germline. Inheritance: Autosomal recessive inheritance. Affected: yes.

PreventionGenetics, part of Exact Sciences
Classification: Benign. Review status: criteria provided, single submitter. Criteria: ACMG Guidelines, 2015. Collection method: clinical testing. Allele origin: germline.

Natera, Inc.
Classification: Benign for Usher syndrome type 1F. Last evaluated: 2020-09-16. Review status: no assertion criteria provided. Collection method: clinical testing. Allele origin: germline. Not counted in ClinVar's aggregate classification.